The following is an entry in ClinVar:

NM_001232.4(CASQ2):c.449G>T (p.Ser150Ile)

Gene: CASQ2 (calsequestrin 2; minus strand). Cytogenetic location: 1p13.1.
Variant type: single nucleotide variant.
Coding change: c.449G>T on transcript NM_001232.4 (MANE Select); coding-DNA position 449, G replaced by T.
Protein change: p.Ser150Ile; replaces serine 150 with isoleucine.
Molecular consequence: missense variant.
Genome position (GRCh38, 1-based): chr1:115,738,307, C>A on the plus strand (G>T on the coding strand, the complement: CASQ2 is on the minus strand). VCF-style: chr1-115738307-C-A. GRCh37 (hg19) VCF-style: chr1-116280928-C-A.
Other names: c.449G>T (NM_001232.3); short protein forms S150I.
Identifiers: ClinVar variation 1401556 (VCV001401556.6), dbSNP rs772041539, ClinGen allele CA1023905.

ClinVar aggregate classification (germline): Uncertain significance. Review status: criteria provided, multiple submitters, no conflicts (2 of 4 stars). 3 submissions from 3 submitters: Uncertain significance (3). Last evaluated 2025-03-03.

Conditions:
Cardiovascular phenotype. Identifiers: MedGen CN230736.
Catecholaminergic polymorphic ventricular tachycardia 1. Also called: VENTRICULAR TACHYCARDIA, CATECHOLAMINERGIC POLYMORPHIC, 1, WITH OR WITHOUT ATRIAL DYSFUNCTION AND/OR DILATED CARDIOMYOPATHY; VENTRICULAR TACHYCARDIA, STRESS-INDUCED POLYMORPHIC 1; RYR2-Related Catecholaminergic Polymorphic Ventricular Tachycardia. Identifiers: Orphanet 3286, MedGen C1631597, MONDO:0011484, OMIM 604772.

Allele frequency attached by ClinVar (database versions not stated): gnomAD exomes below 0.00001 and 0.00001; ExAC 0.00001; gnomAD 0.00001; TOPMed 0.00001.
gnomAD v4.1: 6 of 1,612,740 alleles (0.00037%); highest among the groups gnomAD compares: Admixed American, 0.0083%; no homozygotes.

Submissions (3):

Ambry Genetics
Classification: Uncertain significance for Cardiovascular phenotype. Last evaluated: 2025-03-03. Review status: criteria provided, single submitter. Criteria: Ambry Variant Classification Scheme 2023. Collection method: clinical testing. Allele origin: germline.
Comment: The p.S150I variant (also known as c.449G>T), located in coding exon 4 of the CASQ2 gene, results from a G to T substitution at nucleotide position 449. The serine at codon 150 is replaced by isoleucine, an amino acid with dissimilar properties. This amino acid position is conserved. In addition, this alteration is predicted to be tolerated by in silico analysis. Based on the available evidence, the clinical significance of this variant remains unclear.

Blueprint Genetics
Classification: Uncertain significance. Last evaluated: 2024-03-18. Review status: criteria provided, single submitter. Criteria: ACMG Guidelines, 2015. Collection method: clinical testing. Allele origin: germline.

Labcorp Genetics (formerly Invitae), Labcorp
Classification: Uncertain significance for Catecholaminergic polymorphic ventricular tachycardia 1. Last evaluated: 2022-07-06. Review status: criteria provided, single submitter. Criteria: Invitae Variant Classification Sherloc (09022015). Collection method: clinical testing. Allele origin: germline.
Comment: This sequence change replaces serine, which is neutral and polar, with isoleucine, which is neutral and non-polar, at codon 150 of the CASQ2 protein (p.Ser150Ile). This variant is present in population databases (rs772041539, gnomAD 0.006%). This variant has not been reported in the literature in individuals affected with CASQ2-related conditions. ClinVar contains an entry for this variant (Variation ID: 1401556). Algorithms developed to predict the effect of missense changes on protein structure and function are either unavailable or do not agree on the potential impact of this missense change (SIFT: "Deleterious"; PolyPhen-2: "Possibly Damaging"; Align-GVGD: "Class C0"). In summary, the available evidence is currently insufficient to determine the role of this variant in disease. Therefore, it has been classified as a Variant of Uncertain Significance.